The following is an entry in ClinVar:

NM_005896.4(IDH1):c.1141A>G (p.Lys381Glu)

Gene: IDH1 (isocitrate dehydrogenase (NADP(+)) 1; minus strand). Cytogenetic location: 2q34.
Variant type: single nucleotide variant.
Coding change: c.1141A>G on transcript NM_005896.4 (MANE Select); coding-DNA position 1141, A replaced by G.
Protein change: p.Lys381Glu; replaces lysine 381 with glutamic acid.
Molecular consequence: missense variant.
Genome position (GRCh38, 1-based): chr2:208,239,084, T>C on the plus strand (A>G on the coding strand, the complement: IDH1 is on the minus strand). VCF-style: chr2-208239084-T-C. GRCh37 (hg19) VCF-style: chr2-209103808-T-C.
Other names: c.1141A>G, p.Lys381Glu (NM_001282386.1, NM_001282387.1); short protein forms K381E.
Identifiers: ClinVar variation 3285246 (VCV003285246.1).

ClinVar aggregate classification (germline): Uncertain significance (1 of 4 stars; one submission).

Submission:

Ambry Genetics
Classification: Uncertain significance. Last evaluated: 2024-06-09. Review status: criteria provided, single submitter. Criteria: Ambry Variant Classification Scheme 2023. Collection method: clinical testing. Allele origin: germline.
Comment: The p.K381E variant (also known as c.1141A>G), located in coding exon 7 of the IDH1 gene, results from an A to G substitution at nucleotide position 1141. The lysine at codon 381 is replaced by glutamic acid, an amino acid with similar properties. This amino acid position is conserved. In addition, the in silico prediction for this alteration is inconclusive. Based on the available evidence, the clinical significance of this variant remains unclear.